The following is an entry in ClinVar:

ClinVar aggregate classification (germline): Uncertain significance. Review status: criteria provided, multiple submitters, no conflicts (2 of 4 stars). 3 submissions from 3 submitters: Uncertain significance (3). Last evaluated 2023-10-01.

Conditions:
Retinal dystrophy. Also called: Inherited retinal dystrophy. Identifiers: Orphanet 71862, MedGen C0854723, MeSH D058499, MONDO:0019118, HP:0000556.

Allele frequency attached by ClinVar (database versions not stated): ExAC 0.00002; gnomAD exomes 0.00002.
gnomAD v4.1: 26 of 1,614,228 alleles (0.0016%); highest among the groups gnomAD compares: East Asian, 0.018%; no homozygotes.

Submissions (3):

Dept Of Ophthalmology, Nagoya University
Classification: Uncertain significance for Retinal dystrophy. Last evaluated: 2023-10-01. Review status: criteria provided, single submitter. Criteria: Submitter's publication. Collection method: research. Allele origin: germline. Affected: yes.

Labcorp Genetics (formerly Invitae), Labcorp
Classification: Uncertain significance. Last evaluated: 2023-07-21. Review status: criteria provided, single submitter. Criteria: Invitae Variant Classification Sherloc (09022015). Collection method: clinical testing. Allele origin: germline.
Comment: This sequence change replaces arginine, which is basic and polar, with histidine, which is basic and polar, at codon 546 of the HK1 protein (p.Arg546His). In summary, the available evidence is currently insufficient to determine the role of this variant in disease. Therefore, it has been classified as a Variant of Uncertain Significance. Advanced modeling of protein sequence and biophysical properties (such as structural, functional, and spatial information, amino acid conservation, physicochemical variation, residue mobility, and thermodynamic stability) performed at Invitae indicates that this missense variant is not expected to disrupt HK1 protein function. ClinVar contains an entry for this variant (Variation ID: 1925836). This variant has not been reported in the literature in individuals affected with HK1-related conditions. This variant is present in population databases (rs548019222, gnomAD 0.006%).

CeGaT Center for Human Genetics Tuebingen
Classification: Uncertain significance. Last evaluated: 2022-05-01. Review status: criteria provided, single submitter. Criteria: CeGaT Center For Human Genetics Tuebingen Variant Classification Criteria Version 2. Collection method: clinical testing. Allele origin: germline. Affected: yes. Observed: 1 variant allele.
Comment: HK1: PP2, PP3

NM_000188.3(HK1):c.1637G>A (p.Arg546His)

Gene: HK1 (hexokinase 1; plus strand). Cytogenetic location: 10q22.1.
Variant type: single nucleotide variant.
Coding change: c.1637G>A on transcript NM_000188.3 (MANE Select); coding-DNA position 1637, G replaced by A.
Protein change: p.Arg546His; replaces arginine 546 with histidine.
Molecular consequence: missense variant.
Genome position (GRCh38, 1-based): chr10:69,384,399, G>A. VCF-style: chr10-69384399-G-A. GRCh37 (hg19) VCF-style: chr10-71144155-G-A.
Other names: c.1649G>A, p.Arg550His (NM_001322364.2, NM_001358263.1, NM_033497.3 and 1 more transcripts); c.1742G>A, p.Arg581His (NM_001322365.2); c.1553G>A, p.Arg518His (NM_001322366.1); c.1541G>A, p.Arg514His (NM_001322367.1); c.1634G>A, p.Arg545His (NM_033496.3); c.1601G>A, p.Arg534His (NM_033500.2); short protein forms R518H, R514H, R550H, R581H, R534H, R545H, R546H.
Identifiers: ClinVar variation 1925836 (VCV001925836.29), dbSNP rs548019222, ClinGen allele CA5532649.